The following is an entry in ClinVar:

NM_004614.5(TK2):c.124+6G>C

Genes: TK2 (thymidine kinase 2; minus strand), LOC130059156 (ATAC-STARR-seq lymphoblastoid silent region 7560; plus strand). Cytogenetic location: 16q21.
Variant type: single nucleotide variant.
Coding change: c.124+6G>C on transcript NM_004614.5 (MANE Select); 6 bases into the intron after coding-DNA position 124, G replaced by C.
Molecular consequence: intron variant. On other transcripts: 5 prime UTR variant (1), non-coding transcript variant (1).
Genome position (GRCh38, 1-based): chr16:66,549,932, C>G on the plus strand (G>C on the coding strand, the complement: TK2 is on the minus strand). VCF-style: chr16-66549932-C-G. GRCh37 (hg19) VCF-style: chr16-66583835-C-G.
Other names: c.-523G>C (NM_001272050.2); c.31+321G>C (NM_001271935.1, NM_001172643.1); c.124+6G>C (NM_001172644.2, NM_001172645.2); c.-119+6G>C (NM_001271934.2).
Identifiers: ClinVar variation 320159 (VCV000320159.8), dbSNP rs772063515, ClinGen allele CA10647919.

ClinVar aggregate classification (germline): Uncertain significance. Review status: criteria provided, multiple submitters, no conflicts (2 of 4 stars). 3 submissions from 3 submitters: Uncertain significance (3). Last evaluated 2023-02-11.

Conditions:
Mitochondrial DNA depletion syndrome, myopathic form (MTDPS2). Also called: MITOCHONDRIAL DNA DEPLETION SYNDROME 2 (MYOPATHIC TYPE); MITOCHONDRIAL DNA DEPLETION MYOPATHY, TK2-RELATED; TK2-Related Mitochondrial DNA Maintenance Defect, Myopathic Form. Identifiers: Orphanet 254875, MedGen C3149750, MONDO:0012301, OMIM 609560.

Allele frequency attached by ClinVar (database versions not stated): TOPMed below 0.00001; gnomAD 0.00001.
gnomAD v4.1: 34 of 1,354,118 alleles (0.0025%); highest among the groups gnomAD compares: Non-Finnish European, 0.0029%; no homozygotes.

Submissions (3):

Women's Health and Genetics/Laboratory Corporation of America, LabCorp
Classification: Uncertain significance. Last evaluated: 2023-02-11. Review status: criteria provided, single submitter. Criteria: LabCorp Variant Classification Summary - May 2015. Collection method: clinical testing. Allele origin: germline.

Labcorp Genetics (formerly Invitae), Labcorp
Classification: Uncertain significance. Last evaluated: 2022-07-16. Review status: criteria provided, single submitter. Criteria: Invitae Variant Classification Sherloc (09022015). Collection method: clinical testing. Allele origin: germline.
Comment: This sequence change falls in intron 1 of the TK2 gene. It does not directly change the encoded amino acid sequence of the TK2 protein. It affects a nucleotide within the consensus splice site. This variant is present in population databases (rs772063515, gnomAD 0.007%). This variant has not been reported in the literature in individuals affected with TK2-related conditions. ClinVar contains an entry for this variant (Variation ID: 320159). Variants that disrupt the consensus splice site are a relatively common cause of aberrant splicing (PMID: 17576681, 9536098). Algorithms developed to predict the effect of sequence changes on RNA splicing suggest that this variant is not likely to affect RNA splicing. In summary, the available evidence is currently insufficient to determine the role of this variant in disease. Therefore, it has been classified as a Variant of Uncertain Significance.

Illumina Laboratory Services, Illumina
Classification: Uncertain significance for Mitochondrial DNA depletion syndrome, myopathic form. Last evaluated: 2018-01-13. Review status: criteria provided, single submitter. Criteria: ICSL Variant Classification Criteria 13 December 2019. Collection method: clinical testing. Allele origin: germline.

Literature cited by the submitters: PubMed 17576681 (cited by Labcorp Genetics (formerly Invitae), Labcorp); PubMed 9536098 (cited by Labcorp Genetics (formerly Invitae), Labcorp).